The following is an entry in ClinVar:

NM_019098.5(CNGB3):c.381T>G (p.Tyr127Ter)

Gene: CNGB3 (cyclic nucleotide gated channel subunit beta 3; minus strand). Cytogenetic location: 8q21.3.
Variant type: single nucleotide variant.
Coding change: c.381T>G on transcript NM_019098.5 (MANE Select); coding-DNA position 381, T replaced by G.
Protein change: p.Tyr127Ter; replaces tyrosine 127 with a stop codon.
Molecular consequence: nonsense.
Genome position (GRCh38, 1-based): chr8:86,671,056, A>C on the plus strand (T>G on the coding strand, the complement: CNGB3 is on the minus strand). VCF-style: chr8-86671056-A-C. GRCh37 (hg19) VCF-style: chr8-87683284-A-C.
Other names: short protein forms Y127*.
Identifiers: ClinVar variation 1451933 (VCV001451933.6), dbSNP rs756986331, ClinGen allele CA371450261.

ClinVar aggregate classification (germline): Pathogenic (1 of 4 stars; one submission).

Submission:

Labcorp Genetics (formerly Invitae), Labcorp
Classification: Pathogenic. Last evaluated: 2021-09-15. Review status: criteria provided, single submitter. Criteria: Invitae Variant Classification Sherloc (09022015). Collection method: clinical testing. Allele origin: germline.
Comment: Algorithms developed to predict the effect of sequence changes on RNA splicing suggest that this variant may create or strengthen a splice site. For these reasons, this variant has been classified as Pathogenic. This variant has not been reported in the literature in individuals affected with CNGB3-related conditions. This variant is not present in population databases (ExAC no frequency). This sequence change creates a premature translational stop signal (p.Tyr127*) in the CNGB3 gene. It is expected to result in an absent or disrupted protein product. Loss-of-function variants in CNGB3 are known to be pathogenic (PMID: 28795510).

Literature cited by the submitters: PubMed 28795510.